The following is an entry in ClinVar:

NM_000426.4(LAMA2):c.6659C>T (p.Pro2220Leu)

Gene: LAMA2 (laminin subunit alpha 2; plus strand). Cytogenetic location: 6q22.33.
Variant type: single nucleotide variant.
Coding change: c.6659C>T on transcript NM_000426.4 (MANE Select); coding-DNA position 6659, C replaced by T.
Protein change: p.Pro2220Leu; replaces proline 2220 with leucine.
Molecular consequence: missense variant.
Genome position (GRCh38, 1-based): chr6:129,454,240, C>T. VCF-style: chr6-129454240-C-T. GRCh37 (hg19) VCF-style: chr6-129775385-C-T.
Other names: c.6659C>T, p.Pro2220Leu (NM_001079823.2); short protein forms P2220L.
Identifiers: ClinVar variation 447690 (VCV000447690.7), dbSNP rs367665458, ClinGen allele CA146884317.

ClinVar aggregate classification (germline): Uncertain significance. Review status: criteria provided, multiple submitters, no conflicts (2 of 4 stars). 2 submissions from 2 submitters: Uncertain significance (2). Last evaluated 2022-08-16.

Conditions:
LAMA2-related muscular dystrophy (LAMA2-RD). Also called: Laminin alpha 2-related dystrophy. Identifiers: MedGen C5679788, MONDO:0100228.

Allele frequency attached by ClinVar (database versions not stated): TOPMed below 0.00001; gnomAD 0.00001; ESP Exome Variant Server 0.00008.
gnomAD v4.1: 1 of 1,612,164 alleles (0.000062%); highest among the groups gnomAD compares: Non-Finnish European, 0.000085%; no homozygotes.

Submissions (2):

Labcorp Genetics (formerly Invitae), Labcorp
Classification: Uncertain significance for LAMA2-related muscular dystrophy. Last evaluated: 2022-08-16. Review status: criteria provided, single submitter. Criteria: Invitae Variant Classification Sherloc (09022015). Collection method: clinical testing. Allele origin: germline.
Comment: This sequence change replaces proline, which is neutral and non-polar, with leucine, which is neutral and non-polar, at codon 2220 of the LAMA2 protein (p.Pro2220Leu). This variant is not present in population databases (gnomAD no frequency). This variant has not been reported in the literature in individuals affected with LAMA2-related conditions. ClinVar contains an entry for this variant (Variation ID: 447690). Advanced modeling of protein sequence and biophysical properties (such as structural, functional, and spatial information, amino acid conservation, physicochemical variation, residue mobility, and thermodynamic stability) performed at Invitae indicates that this missense variant is not expected to disrupt LAMA2 protein function. In summary, the available evidence is currently insufficient to determine the role of this variant in disease. Therefore, it has been classified as a Variant of Uncertain Significance.

Athena Diagnostics
Classification: Uncertain significance. Last evaluated: 2017-07-12. Review status: criteria provided, single submitter. Criteria: Athena Diagnostics Criteria. Collection method: clinical testing. Allele origin: germline.